The following is an entry in ClinVar:

ClinVar aggregate classification (germline): Uncertain significance. Review status: criteria provided, multiple submitters, no conflicts (2 of 4 stars). 3 submissions from 3 submitters: Uncertain significance (3). Last evaluated 2024-07-23.

gnomAD v4.1: 298 of 1,613,846 alleles (0.018%); highest among the groups gnomAD compares: Non-Finnish European, 0.025%; 1 homozygote.

Submissions (3):

Labcorp Genetics (formerly Invitae), Labcorp
Classification: Uncertain significance. Last evaluated: 2024-07-23. Review status: criteria provided, single submitter. Criteria: Invitae Variant Classification Sherloc (09022015). Collection method: clinical testing. Allele origin: germline.
Comment: This sequence change replaces tyrosine, which is neutral and polar, with serine, which is neutral and polar, at codon 161 of the MTMR14 protein (p.Tyr161Ser). This variant is present in population databases (rs200189498, gnomAD 0.01%). This variant has not been reported in the literature in individuals affected with MTMR14-related conditions. ClinVar contains an entry for this variant (Variation ID: 1388022). Advanced modeling of protein sequence and biophysical properties (such as structural, functional, and spatial information, amino acid conservation, physicochemical variation, residue mobility, and thermodynamic stability) performed at Invitae indicates that this missense variant is not expected to disrupt MTMR14 protein function with a negative predictive value of 80%. In summary, the available evidence is currently insufficient to determine the role of this variant in disease. Therefore, it has been classified as a Variant of Uncertain Significance.

CeGaT Center for Human Genetics Tuebingen
Classification: Uncertain significance. Last evaluated: 2022-09-01. Review status: criteria provided, single submitter. Criteria: CeGaT Center For Human Genetics Tuebingen Variant Classification Criteria Version 2. Collection method: clinical testing. Allele origin: germline. Affected: yes. Observed: 1 variant allele.

Revvity Omics, Revvity
Classification: Uncertain significance. Last evaluated: 2019-12-24. Review status: criteria provided, single submitter. Criteria: ACMG Guidelines, 2015. Collection method: clinical testing. Allele origin: germline.

NM_001077525.3(MTMR14):c.482A>C (p.Tyr161Ser)

Gene: MTMR14 (myotubularin related protein 14; plus strand). Cytogenetic location: 3p25.3.
Variant type: single nucleotide variant.
Coding change: c.482A>C on transcript NM_001077525.3 (MANE Select); coding-DNA position 482, A replaced by C.
Protein change: p.Tyr161Ser; replaces tyrosine 161 with serine.
Molecular consequence: missense variant.
Genome position (GRCh38, 1-based): chr3:9,668,783, A>C. VCF-style: chr3-9668783-A-C. GRCh37 (hg19) VCF-style: chr3-9710467-A-C.
Other names: c.482A>C, p.Tyr161Ser (NM_001077526.3, NM_022485.5); short protein forms Y161S.
Identifiers: ClinVar variation 1388022 (VCV001388022.31), dbSNP rs200189498, ClinGen allele CA2240307.